The following is an entry in ClinVar:

NM_001287491.2(TET3):c.2575A>T (p.Met859Leu)

Gene: TET3 (tet methylcytosine dioxygenase 3; plus strand). Cytogenetic location: 2p13.1.
Variant type: single nucleotide variant.
Coding change: c.2575A>T on transcript NM_001287491.2 (MANE Select); coding-DNA position 2575, A replaced by T.
Protein change: p.Met859Leu; replaces methionine 859 with leucine.
Molecular consequence: missense variant.
Genome position (GRCh38, 1-based): chr2:74,073,629, A>T. VCF-style: chr2-74073629-A-T. GRCh37 (hg19) VCF-style: chr2-74300756-A-T.
Other names: c.2296A>T, p.Met766Leu (NM_001366022.1); short protein forms M766L, M859L.
Identifiers: ClinVar variation 5008865 (VCV005008865.1).
Genomic context (GRCh38, chr2:74,073,629, plus strand): 5'-GAAGGTCCATATTATACTCACTTGGGATCTGGCCCCACGGTCGCCTCTATCCGGGAACTC[A>T]TGGAGGAGCGGTGAGTGATACACAGATGTCCAAGGAGAAATGGATGTGCTGTTAATGGAA-3'
Protein context (NP_001274420.1, residues 849-869): GPTVASIREL[Met859Leu]EERYGEKGKA

ClinVar aggregate classification (germline): Uncertain significance (1 of 4 stars; one submission).

Submission:

GeneDx
Classification: Uncertain significance. Last evaluated: 2026-03-09. Review status: criteria provided, single submitter. Criteria: GeneDx Variant Classification Process June 2021. Collection method: clinical testing. Allele origin: germline.
Comment: Not observed at significant frequency in large population cohorts (gnomAD); In silico analysis supports that this missense variant has a deleterious effect on protein structure/function; Has not been previously published as pathogenic or benign to our knowledge